The following is an entry in ClinVar:

NM_025132.4(WDR19):c.3614G>C (p.Gly1205Ala)

Gene: WDR19 (WD repeat domain 19; plus strand). Cytogenetic location: 4p14.
Variant type: single nucleotide variant.
Coding change: c.3614G>C on transcript NM_025132.4 (MANE Select); coding-DNA position 3614, G replaced by C.
Protein change: p.Gly1205Ala; replaces glycine 1205 with alanine.
Molecular consequence: missense variant.
Genome position (GRCh38, 1-based): chr4:39,274,856, G>C. VCF-style: chr4-39274856-G-C. GRCh37 (hg19) VCF-style: chr4-39276476-G-C.
Other names: c.3134G>C, p.Gly1045Ala (NM_001317924.2); short protein forms G1205A, G1045A.
Identifiers: ClinVar variation 2159018 (VCV002159018.3), dbSNP rs1487657507, ClinGen allele CA356649763.
Genomic context (GRCh38, chr4:39,274,856, plus strand): 5'-TTTCTCTTGCAGACATTGTACCCATCCTGACGTCAACTGTGATTGAGTGTCACAGGGCAG[G>C]CCTGAAGAACTCTGCTTTCAGCTTCGCAGCTATGTTGATGAGGCCTGAATACCGCAGCAA-3'
Protein context (NP_079408.3, residues 1195-1215): TSTVIECHRA[Gly1205Ala]LKNSAFSFAA

ClinVar aggregate classification (germline): Uncertain significance (1 of 4 stars; one submission).

Conditions:
Asphyxiating thoracic dystrophy 5 (SRTD5). Also called: SHORT-RIB THORACIC DYSPLASIA 5 WITHOUT POLYDACTYLY; SHORT-RIB THORACIC DYSPLASIA 5 WITH OR WITHOUT POLYDACTYLY. Identifiers: Orphanet 474, MedGen C3280598, MONDO:0013717, OMIM 614376.
Senior-Loken syndrome 8 (SLSN8). Identifiers: Orphanet 3156, MedGen C4225376, MONDO:0014579, OMIM 616307.

Allele frequency attached by ClinVar (database versions not stated): gnomAD exomes below 0.00001.
gnomAD v4.1: 1 of 1,613,996 alleles (0.000062%); highest among the groups gnomAD compares: Admixed American, 0.0017%; no homozygotes.

Submission:

Labcorp Genetics (formerly Invitae), Labcorp
Classification: Uncertain significance for Senior-Loken syndrome 8; Asphyxiating thoracic dystrophy 5. Last evaluated: 2024-07-27. Review status: criteria provided, single submitter. Criteria: Invitae Variant Classification Sherloc (09022015). Collection method: clinical testing. Allele origin: germline.
Comment: This sequence change replaces glycine, which is neutral and non-polar, with alanine, which is neutral and non-polar, at codon 1205 of the WDR19 protein (p.Gly1205Ala). This variant is not present in population databases (gnomAD no frequency). This variant has not been reported in the literature in individuals affected with WDR19-related conditions. ClinVar contains an entry for this variant (Variation ID: 2159018). Advanced modeling of protein sequence and biophysical properties (such as structural, functional, and spatial information, amino acid conservation, physicochemical variation, residue mobility, and thermodynamic stability) has been performed at Invitae for this missense variant, however the output from this modeling did not meet the statistical confidence thresholds required to predict the impact of this variant on WDR19 protein function. In summary, the available evidence is currently insufficient to determine the role of this variant in disease. Therefore, it has been classified as a Variant of Uncertain Significance.